The following is an entry in ClinVar:

NM_152564.5(VPS13B):c.8496del (p.Ile2833fs)

Gene: VPS13B (vacuolar protein sorting 13 homolog B; plus strand). Cytogenetic location: 8q22.2.
Variant type: Deletion.
Coding change: c.8496del on transcript NM_152564.5 (MANE Select); coding-DNA position 8496, one base deleted (T; older notation c.8496delT).
Protein change: p.Ile2833fs; shifts the reading frame from isoleucine 2833.
Molecular consequence: frameshift variant.
Genome position (GRCh38, 1-based): chr8:99,818,763, T deleted; the last of 2 consecutive T bases (chr8:99,818,762-99,818,763); deleting either gives the same sequence. VCF-style (leftmost placement, unchanged base first): chr8-99818761-AT-A. GRCh37 (hg19) VCF-style: chr8-100830989-AT-A.
Other names: c.8571del, p.Ile2858fs (NM_017890.5); short protein forms I2833fs, I2858fs.
Identifiers: ClinVar variation 1323751 (VCV001323751.7), dbSNP rs2130813918, ClinGen allele CA2573053073.

ClinVar aggregate classification (germline): Pathogenic. Review status: criteria provided, multiple submitters, no conflicts (2 of 4 stars). 2 submissions from 2 submitters: Pathogenic (2). Last evaluated 2022-12-20.

Conditions:
Cohen syndrome (COH1). Also called: PEPPER SYNDROME; Cutis verticis gyrata, retinitis pigmentosa, and sensorineural deafness. Identifiers: Orphanet 193, MedGen C0265223, MONDO:0008999, OMIM 216550.

Submissions (2):

Labcorp Genetics (formerly Invitae), Labcorp
Classification: Pathogenic for Cohen syndrome. Last evaluated: 2022-12-20. Review status: criteria provided, single submitter. Criteria: Invitae Variant Classification Sherloc (09022015). Collection method: clinical testing. Allele origin: germline.
Comment: This sequence change creates a premature translational stop signal (p.Ile2858Serfs*11) in the VPS13B gene. It is expected to result in an absent or disrupted protein product. Loss-of-function variants in VPS13B are known to be pathogenic (PMID: 15141358, 16648375, 20461111). This variant is not present in population databases (gnomAD no frequency). This variant has not been reported in the literature in individuals affected with VPS13B-related conditions. ClinVar contains an entry for this variant (Variation ID: 1323751). For these reasons, this variant has been classified as Pathogenic.

Revvity Omics, Revvity
Classification: Pathogenic for Cohen syndrome. Last evaluated: 2020-03-05. Review status: criteria provided, single submitter. Criteria: ACMG Guidelines, 2015. Collection method: clinical testing. Allele origin: germline.

Literature cited by the submitters: PubMed 15141358 (cited by Labcorp Genetics (formerly Invitae), Labcorp); PubMed 16648375 (cited by Labcorp Genetics (formerly Invitae), Labcorp); PubMed 20461111 (cited by Labcorp Genetics (formerly Invitae), Labcorp).